The following is an entry in ClinVar:

NM_001005242.3(PKP2):c.2287T>C (p.Tyr763His)

Gene: PKP2 (plakophilin 2; minus strand). Cytogenetic location: 12p11.21.
Variant type: single nucleotide variant.
Coding change: c.2287T>C on transcript NM_001005242.3 (MANE Select); coding-DNA position 2287, T replaced by C.
Protein change: p.Tyr763His; replaces tyrosine 763 with histidine.
Molecular consequence: missense variant. On other transcripts: intron variant (2).
Genome position (GRCh38, 1-based): chr12:32,796,179, A>G on the plus strand (T>C on the coding strand, the complement: PKP2 is on the minus strand). VCF-style: chr12-32796179-A-G. GRCh37 (hg19) VCF-style: chr12-32949113-A-G.
Other names: c.2122T>C, p.Tyr708His (NM_001407156.1); c.1960T>C, p.Tyr654His (NM_001407158.1, NM_001407159.1); c.2419T>C, p.Tyr807His (NM_004572.4); c.2168-3448T>C (NM_001407155.1); c.1841-3448T>C (NM_001407160.1); short protein forms Y708H, Y654H, Y763H, Y807H.
Identifiers: ClinVar variation 2626267 (VCV002626267.2), dbSNP rs2541190111, ClinGen allele CA384357722.
Genomic context (GRCh38, chr12:32,796,179, plus strand): 5'-CACTAATGGCCATAATTTTCTGGATGCCCCCGGTGTTTAGAAGGTCGCGTGCATTCTGGT[A>G]ACTGTTTTGGATTATGTTGTTCAATGTGTAACAGGCAGAGGCTGTAGTTTCAATGAGAAG-3'
Protein context (NP_001005242.2, residues 753-773): YTLNNIIQNS[Tyr763His]QNARDLLNTG

ClinVar aggregate classification (germline): Uncertain significance (1 of 4 stars; one submission).

Conditions:
Cardiovascular phenotype. Identifiers: MedGen CN230736.

Allele frequency attached by ClinVar (database versions not stated): gnomAD exomes below 0.00001.
gnomAD v4.1: 2 of 1,614,074 alleles (0.00012%); highest among the groups gnomAD compares: Non-Finnish European, 0.000085%; no homozygotes.

Submission:

Ambry Genetics
Classification: Uncertain significance for Cardiovascular phenotype. Last evaluated: 2023-06-22. Review status: criteria provided, single submitter. Criteria: Ambry Variant Classification Scheme 2023. Collection method: clinical testing. Allele origin: germline.
Comment: The p.Y807H variant (also known as c.2419T>C), located in coding exon 12 of the PKP2 gene, results from a T to C substitution at nucleotide position 2419. The tyrosine at codon 807 is replaced by histidine, an amino acid with similar properties. This amino acid position is conserved. In addition, this alteration is predicted to be tolerated by in silico analysis. Since supporting evidence is limited at this time, the clinical significance of this alteration remains unclear.